The following is an entry in ClinVar:

NM_182914.3(SYNE2):c.13562T>C (p.Met4521Thr)

Gene: SYNE2 (spectrin repeat containing nuclear envelope protein 2; plus strand). Cytogenetic location: 14q23.2.
Variant type: single nucleotide variant.
Coding change: c.13562T>C on transcript NM_182914.3 (MANE Select); coding-DNA position 13562, T replaced by C.
Protein change: p.Met4521Thr; replaces methionine 4521 with threonine.
Molecular consequence: missense variant.
Genome position (GRCh38, 1-based): chr14:64,126,334, T>C. VCF-style: chr14-64126334-T-C. GRCh37 (hg19) VCF-style: chr14-64593052-T-C.
Other names: c.13562T>C, p.Met4521Thr (NM_015180.6); short protein forms M4521T.
Identifiers: ClinVar variation 2436794 (VCV002436794.6), dbSNP rs756784418, ClinGen allele CA7222496.

ClinVar aggregate classification (germline): Uncertain significance. Review status: criteria provided, multiple submitters, no conflicts (2 of 4 stars). 3 submissions from 3 submitters: Uncertain significance (3). Last evaluated 2024-08-06.

Conditions:
Emery-Dreifuss muscular dystrophy 5, autosomal dominant (EDMD5). Also called: EMERY-DREIFUSS MUSCULAR DYSTROPHY 5. Identifiers: Orphanet 261, MedGen C2751805, MONDO:0013072, OMIM 612999.

Allele frequency attached by ClinVar (database versions not stated): ExAC 0.00001; gnomAD 0.00001; gnomAD exomes 0.00003; TOPMed 0.00003.
gnomAD v4.1: 45 of 1,613,736 alleles (0.0028%); highest among the groups gnomAD compares: Non-Finnish European, 0.0037%; no homozygotes.

Submissions (3):

Labcorp Genetics (formerly Invitae), Labcorp
Classification: Uncertain significance for Emery-Dreifuss muscular dystrophy 5, autosomal dominant. Last evaluated: 2024-08-06. Review status: criteria provided, single submitter. Criteria: Invitae Variant Classification Sherloc (09022015). Collection method: clinical testing. Allele origin: germline.
Comment: This sequence change replaces methionine, which is neutral and non-polar, with threonine, which is neutral and polar, at codon 4521 of the SYNE2 protein (p.Met4521Thr). This variant is present in population databases (rs756784418, gnomAD 0.0009%). This variant has not been reported in the literature in individuals affected with SYNE2-related conditions. ClinVar contains an entry for this variant (Variation ID: 2436794). An algorithm developed to predict the effect of missense changes on protein structure and function (PolyPhen-2) suggests that this variant is likely to be tolerated. In summary, the available evidence is currently insufficient to determine the role of this variant in disease. Therefore, it has been classified as a Variant of Uncertain Significance.

Ambry Genetics
Classification: Uncertain significance. Last evaluated: 2024-05-15. Review status: criteria provided, single submitter. Criteria: Ambry Variant Classification Scheme 2023. Collection method: clinical testing. Allele origin: germline.

Revvity Omics, Revvity
Classification: Uncertain significance for Emery-Dreifuss muscular dystrophy 5, autosomal dominant. Last evaluated: 2019-02-27. Review status: criteria provided, single submitter. Criteria: ACMG Guidelines, 2015. Collection method: clinical testing. Allele origin: germline.